The following is an entry in ClinVar:

ClinVar aggregate classification (germline): Benign (1 of 4 stars; one submission).

Conditions:
Hereditary diffuse gastric adenocarcinoma (HDGC). Also called: DIFFUSE GASTRIC AND LOBULAR BREAST CANCER SYNDROME. Identifiers: Orphanet 26106, MedGen C1708349, MONDO:0007648, OMIM 137215.

Submission:

Myriad Genetics, Inc.
Classification: Benign for Hereditary diffuse gastric adenocarcinoma. Last evaluated: 2024-09-18. Review status: criteria provided, single submitter. Criteria: Myriad Autosomal Dominant, Autosomal Recessive and X-Linked Classification Criteria (2023). Collection method: clinical testing. Allele origin: unknown.
Comment: This variant is considered benign. This variant is a silent/synonymous amino acid change and it is not expected to impact splicing.

NM_004360.5(CDH1):c.1182C>A (p.Thr394=)

Gene: CDH1 (cadherin 1; plus strand). Cytogenetic location: 16q22.1.
Variant type: single nucleotide variant.
Coding change: c.1182C>A on transcript NM_004360.5 (MANE Select); coding-DNA position 1182, C replaced by A.
Protein change: p.Thr394=; no amino-acid change (threonine 394 retained).
Molecular consequence: synonymous variant. On other transcripts: 5 prime UTR variant (2), intron variant (1).
Genome position (GRCh38, 1-based): chr16:68,813,357, C>A. VCF-style: chr16-68813357-C-A. GRCh37 (hg19) VCF-style: chr16-68847260-C-A.
Other names: c.-434C>A (NM_001317185.2); c.-638C>A (NM_001317186.2); c.1137+1094C>A (NM_001317184.2).
Identifiers: ClinVar variation 3378756 (VCV003378756.1).
Genomic context (GRCh38, chr16:68,813,357, plus strand): 5'-TCTCTTTGCTCTGCAGTACAAGGGTCAGGTGCCTGAGAACGAGGCTAACGTCGTAATCAC[C>A]ACACTGAAAGTGACTGATGCTGATGCCCCCAATACCCCAGCGTGGGAGGCTGTATACACC-3'
Protein context (NP_004351.1, residues 384-404): VPENEANVVI[Thr394=]TLKVTDADAP